The following is an entry in ClinVar:

NM_015374.3(SUN2):c.919C>T (p.Arg307Cys)

Genes: GTPBP1 (GTP binding protein 1; plus strand), SUN2 (Sad1 and UNC84 domain containing 2; minus strand). Cytogenetic location: 22q13.1.
Variant type: single nucleotide variant.
Coding change: c.919C>T on transcript NM_015374.3 (MANE Select); coding-DNA position 919, C replaced by T.
Protein change: p.Arg307Cys; replaces arginine 307 with cysteine.
Molecular consequence: missense variant. On other transcripts: intron variant (3).
Genome position (GRCh38, 1-based): chr22:38,742,450, G>A on the plus strand (C>T on the coding strand, the complement: SUN2 is on the minus strand). VCF-style: chr22-38742450-G-A. GRCh37 (hg19) VCF-style: chr22-39138455-G-A.
Other names: c.982C>T, p.Arg328Cys (NM_001199579.2, NM_001394428.1); c.919C>T, p.Arg307Cys (NM_001199580.2, NM_001394431.1, NM_001394432.1 and 5 more transcripts); c.1012C>T, p.Arg338Cys (NM_001394427.1); c.964C>T, p.Arg322Cys (NM_001394429.1, NM_001394430.1); c.829C>T, p.Arg277Cys (NM_001394438.1); c.781C>T, p.Arg261Cys (NM_001394439.1, NM_001394440.1, NM_001394441.1); c.427C>T, p.Arg143Cys (NM_001394443.1); c.615-2018C>T (NM_001394444.1, NM_001394445.1); and 2 more; short protein forms R143C, R261C, R328C, R277C, R307C, R322C, R338C.
Identifiers: ClinVar variation 1520715 (VCV001520715.7), dbSNP rs758857415, ClinGen allele CA10235719.

ClinVar aggregate classification (germline): Uncertain significance. Review status: criteria provided, multiple submitters, no conflicts (2 of 4 stars). 2 submissions from 2 submitters: Uncertain significance (2). Last evaluated 2025-08-09.

Conditions:
Emery-Dreifuss muscular dystrophy (EDMD). Also called: Scapuloperoneal syndrome, X-linked (formerly); Humeroperoneal neuromuscular disease, (formerly). Identifiers: Orphanet 261, MedGen C0410189, MONDO:0016830.

Allele frequency attached by ClinVar (database versions not stated): ExAC 0.00002; gnomAD exomes 0.00003; gnomAD 0.00004 and 0.00005; TOPMed 0.00006.
gnomAD v4.1: 60 of 1,613,486 alleles (0.0037%); highest among the groups gnomAD compares: East Asian, 0.094%; no homozygotes.

Submissions (2):

Labcorp Genetics (formerly Invitae), Labcorp
Classification: Uncertain significance for Emery-Dreifuss muscular dystrophy. Last evaluated: 2025-08-09. Review status: criteria provided, single submitter. Criteria: Invitae Variant Classification Sherloc (09022015). Collection method: clinical testing. Allele origin: germline.
Comment: This sequence change replaces arginine, which is basic and polar, with cysteine, which is neutral and slightly polar, at codon 307 of the SUN2 protein (p.Arg307Cys). This variant is present in population databases (rs758857415, gnomAD 0.03%). This variant has not been reported in the literature in individuals affected with SUN2-related conditions. ClinVar contains an entry for this variant (Variation ID: 1520715). An algorithm developed to predict the effect of missense changes on protein structure and function (PolyPhen-2) suggests that this variant is likely to be disruptive. In summary, the available evidence is currently insufficient to determine the role of this variant in disease. Therefore, it has been classified as a Variant of Uncertain Significance.

Ambry Genetics
Classification: Uncertain significance. Last evaluated: 2024-02-13. Review status: criteria provided, single submitter. Criteria: Ambry Variant Classification Scheme 2023. Collection method: clinical testing. Allele origin: germline.